The following is an entry in ClinVar:

NM_022436.3(ABCG5):c.1913G>A (p.Gly638Glu)

Genes: ABCG5 (ATP binding cassette subfamily G member 5; minus strand), DYNC2LI1 (dynein cytoplasmic 2 light intermediate chain 1; plus strand). Cytogenetic location: 2p21.
Variant type: single nucleotide variant.
Coding change: c.1913G>A on transcript NM_022436.3 (MANE Select); coding-DNA position 1913, G replaced by A.
Protein change: p.Gly638Glu; replaces glycine 638 with glutamic acid.
Molecular consequence: missense variant. On other transcripts: intron variant (2).
Genome position (GRCh38, 1-based): chr2:43,813,159, C>T on the plus strand (G>A on the coding strand, the complement: ABCG5 is on the minus strand). VCF-style: chr2-43813159-C-T. GRCh37 (hg19) VCF-style: chr2-44040298-C-T.
Other names: c.*15+2635C>T (NM_001348913.2, NM_001348912.2); short protein forms G638E.
Identifiers: ClinVar variation 2969942 (VCV002969942.3), dbSNP rs1458239200, ClinGen allele CA346661846.

ClinVar aggregate classification (germline): Uncertain significance (1 of 4 stars; one submission).

Conditions:
Sitosterolemia (STSL). Also called: PHYTOSTEROLEMIA. Identifiers: Orphanet 2882, MedGen C0342907, MONDO:0008863.

Allele frequency attached by ClinVar (database versions not stated): gnomAD exomes below 0.00001; TOPMed below 0.00001.
gnomAD v4.1: 2 of 1,476,340 alleles (0.00014%); highest among the groups gnomAD compares: Non-Finnish European, 0.000095%; no homozygotes.

Submission:

Labcorp Genetics (formerly Invitae), Labcorp
Classification: Uncertain significance for Sitosterolemia. Last evaluated: 2023-07-08. Review status: criteria provided, single submitter. Criteria: Invitae Variant Classification Sherloc (09022015). Collection method: clinical testing. Allele origin: germline.
Comment: This sequence change replaces glycine, which is neutral and non-polar, with glutamic acid, which is acidic and polar, at codon 638 of the ABCG5 protein (p.Gly638Glu). This variant is present in population databases (no rsID available, gnomAD 0.01%). This variant has not been reported in the literature in individuals affected with ABCG5-related conditions. An algorithm developed to predict the effect of missense changes on protein structure and function (PolyPhen-2) suggests that this variant is likely to be disruptive. In summary, the available evidence is currently insufficient to determine the role of this variant in disease. Therefore, it has been classified as a Variant of Uncertain Significance.